The following is an entry in ClinVar:

NM_032782.5(HAVCR2):c.291A>G (p.Ile97Met)

Gene: HAVCR2 (hepatitis A virus cellular receptor 2; minus strand). Cytogenetic location: 5q33.3.
Variant type: single nucleotide variant.
Coding change: c.291A>G on transcript NM_032782.5 (MANE Select); coding-DNA position 291, A replaced by G.
Protein change: p.Ile97Met; replaces isoleucine 97 with methionine.
Molecular consequence: missense variant.
Genome position (GRCh38, 1-based): chr5:157,106,730, T>C on the plus strand (A>G on the coding strand, the complement: HAVCR2 is on the minus strand). VCF-style: chr5-157106730-T-C. GRCh37 (hg19) VCF-style: chr5-156533741-T-C.
Other names: HAVCR2, ILE97MET (rs35960726); short protein forms I97M.
Identifiers: ClinVar variation 626253 (VCV000626253.49), dbSNP rs35960726, ClinGen allele CA3531967.

ClinVar aggregate classification (germline): Conflicting classifications of pathogenicity. Review status: criteria provided, conflicting classifications (1 of 4 stars). 10 submissions from 10 submitters: Pathogenic (2); Likely pathogenic (2); Uncertain significance (2); Likely benign (1). 3 of the submissions do not count toward it. Last evaluated 2026-09-01.

Conditions:
HAVCR2-related disorder. Also called: HAVCR2-related condition.
Subcutaneous panniculitis-like T-cell lymphoma (SPTCL). Identifiers: Orphanet 86884, MedGen C0522624, MONDO:0019475, OMIM 618398, HP:0034403.

Allele frequency attached by ClinVar (database versions not stated): 1000 Genomes Project 30x 0.00047; 1000 Genomes Project 0.00060; TOPMed 0.00215; gnomAD exomes 0.00256 and 0.00266; ESP Exome Variant Server 0.00261; gnomAD 0.00261 and 0.00270; ExAC 0.00290.
gnomAD v4.1: 4,090 of 1,614,234 alleles (0.25%); highest among the groups gnomAD compares: Non-Finnish European, 0.3%; 18 homozygotes.

Submissions (10):

CeGaT Center for Human Genetics Tuebingen
Classification: Likely benign. Last evaluated: 2026-09-01. Review status: criteria provided, single submitter. Criteria: CeGaT Center For Human Genetics Tuebingen Variant Classification Criteria Version 2. Collection method: clinical testing. Allele origin: germline. Affected: yes. Observed: 14 variant alleles.
Comment: HAVCR2: BP4, BS1:Supporting

Laboratory of Genetics, Children's Clinical University Hospital Latvia
Classification: Pathogenic. Last evaluated: 2025-02-16. Review status: criteria provided, single submitter. Criteria: ACMG Guidelines, 2015. Collection method: clinical testing. Allele origin: germline. Affected: yes.

Blueprint Genetics
Classification: Likely pathogenic for HAVCR2-related disorders. Last evaluated: 2024-11-26. Review status: criteria provided, single submitter. Criteria: ACMG Guidelines, 2015. Collection method: clinical testing. Allele origin: germline. Affected: yes. Observed: 5 variant alleles.

GeneDx
Classification: Uncertain significance. Last evaluated: 2023-07-09. Review status: criteria provided, single submitter. Criteria: GeneDx Variant Classification Process June 2021. Collection method: clinical testing. Allele origin: germline. Affected: yes.
Comment: In silico analysis supports that this missense variant has a deleterious effect on protein structure/function; Variants in candidate genes are classified as variants of uncertain significance in accordance with ACMG guidelines (Richards et al., 2015); This variant is associated with the following publications: (PMID: 30374066, 32005988, 32285995, 34426522, 36278991, 36113963, 34159709, 36291756, 35588499, 35725860)

Department of Pathology and Laboratory Medicine, Sinai Health System
Classification: Uncertain significance for Subcutaneous panniculitis-like T-cell lymphoma. Last evaluated: 2022-11-29. Review status: criteria provided, single submitter. Criteria: ACMG Guidelines, 2015. Collection method: research. Allele origin: germline.

Mendelics
Classification: Pathogenic for Subcutaneous panniculitis-like T-cell lymphoma. Last evaluated: 2022-05-04. Review status: criteria provided, single submitter. Criteria: Mendelics Assertion Criteria 2019. Collection method: clinical testing. Allele origin: germline.

Institute of Human Genetics, University of Leipzig Medical Center
Classification: Likely pathogenic for Subcutaneous panniculitis-like T-cell lymphoma. Last evaluated: 2019-08-21. Review status: criteria provided, single submitter. Criteria: ACMG Guidelines, 2015. Collection method: clinical testing. Allele origin: germline. Affected: yes. Observed: 1 variant allele.
Comment: This variant was identified as homozygous

OMIM
Classification: risk factor for T-CELL LYMPHOMA, SUBCUTANEOUS PANNICULITIS-LIKE, SUSCEPTIBILITY TO. Last evaluated: 2024-04-12. Review status: no assertion criteria provided. Collection method: literature only. Allele origin: germline. Not counted in ClinVar's aggregate classification.

Clinical Genetics DNA and cytogenetics Diagnostics Lab, Erasmus MC, Erasmus Medical Center
Classification: Likely pathogenic. Review status: no assertion criteria provided. Collection method: clinical testing. Allele origin: germline. Affected: yes. Study: VKGL Data-share Consensus. Not counted in ClinVar's aggregate classification.

Diagnostic Laboratory, Department of Genetics, University Medical Center Groningen
Classification: Likely pathogenic. Review status: no assertion criteria provided. Collection method: clinical testing. Allele origin: germline. Affected: yes. Study: VKGL Data-share Consensus. Not counted in ClinVar's aggregate classification.

Literature cited by the submitters: PubMed 30429576 (cited by OMIM).